The following is an entry in ClinVar:

ClinVar aggregate classification (germline): Uncertain significance (1 of 4 stars; one submission).

Conditions:
Perlman syndrome (PRLMNS). Identifiers: Orphanet 2849, MedGen C0796113, MONDO:0009965, OMIM 267000.

Submission:

Labcorp Genetics (formerly Invitae), Labcorp
Classification: Uncertain significance for Perlman syndrome. Last evaluated: 2016-12-20. Review status: criteria provided, single submitter. Criteria: Invitae Variant Classification Sherloc (09022015). Collection method: clinical testing. Allele origin: germline.
Comment: This variant is a gross duplication of the genomic region encompassing exon 9 of the DIS3L2 gene. While the exact position of the duplicated exons cannot be determined from this data, the duplicated copy of this region is likely in tandem and in-frame, therefore preserving the integrity of the reading frame. A duplication of exon 9 has not been reported in the literature in individuals affected with a DIS3L2-related disease. Experimental studies and prediction algorithms are not available for this variant, and the functional significance of the duplicated exon is currently unknown. In summary, this is a partial gene duplication that preserves the reading frame of the protein and has not been reported in affected individuals. In the absence of additional genetic and functional data, it has been classified as a Variant of Uncertain Significance.

NC_000002.11:g.(?_233028169)_(233028342_?)dup

Gene: DIS3L2 (DIS3 like 3'-5' exoribonuclease 2; plus strand). Cytogenetic location: 2q37.1.
Variant type: Duplication.
Identifiers: ClinVar variation 417537 (VCV000417537.1).